The following is an entry in ClinVar:

ClinVar aggregate classification (germline): Uncertain significance (1 of 4 stars; one submission).

gnomAD v4.1: 1 of 1,592,716 alleles (0.000063%); highest among the groups gnomAD compares: Non-Finnish European, 0.000086%; no homozygotes.

Submission:

GeneDx
Classification: Uncertain significance. Last evaluated: 2024-04-03. Review status: criteria provided, single submitter. Criteria: GeneDx Variant Classification Process June 2021. Collection method: clinical testing. Allele origin: germline. Affected: yes.
Comment: Not observed at significant frequency in large population cohorts (gnomAD); In silico analysis supports that this missense variant does not alter protein structure/function; Has not been previously published as pathogenic or benign to our knowledge

NM_130847.3(AMOTL1):c.2863C>T (p.Leu955Phe)

Gene: AMOTL1 (angiomotin like 1; plus strand). Cytogenetic location: 11q21.
Variant type: single nucleotide variant.
Coding change: c.2863C>T on transcript NM_130847.3 (MANE Select); coding-DNA position 2863, C replaced by T.
Protein change: p.Leu955Phe; replaces leucine 955 with phenylalanine.
Molecular consequence: missense variant.
Genome position (GRCh38, 1-based): chr11:94,870,787, C>T. VCF-style: chr11-94870787-C-T. GRCh37 (hg19) VCF-style: chr11-94603952-C-T.
Other names: c.2713C>T, p.Leu905Phe (NM_001301007.2); short protein forms L905F, L955F.
Identifiers: ClinVar variation 3372120 (VCV003372120.1).
Genomic context (GRCh38, chr11:94,870,787, plus strand): 5'-GGCCGGGTCAGCAGCTTGCTGCACAAGCCCGAGTTCCCTGATGGAGAGATGATGGAAGTC[C>T]TCATCTAACTGCCATCCCTGTGGAATTTCAGTACAGAACACTGACAAACAAGGAAAGCGG-3'
Protein context (NP_570899.1, residues 945-956): EFPDGEMMEV[Leu955Phe]I